The following is an entry in ClinVar:

NM_014865.4(NCAPD2):c.1344A>G (p.Gly448=)

Gene: NCAPD2 (non-SMC condensin I complex subunit D2; plus strand). Cytogenetic location: 12p13.31.
Variant type: single nucleotide variant.
Coding change: c.1344A>G on transcript NM_014865.4 (MANE Select); coding-DNA position 1344, A replaced by G.
Protein change: p.Gly448=; no amino-acid change (glycine 448 retained).
Molecular consequence: synonymous variant.
Genome position (GRCh38, 1-based): chr12:6,517,619, A>G. VCF-style: chr12-6517619-A-G. GRCh37 (hg19) VCF-style: chr12-6626785-A-G.
Identifiers: ClinVar variation 3057706 (VCV003057706.2), dbSNP rs1422052338, ClinGen allele CA478506692.

ClinVar aggregate classification (germline): Likely benign (0 of 4 stars; one submission).

Conditions:
NCAPD2-related disorder. Also called: NCAPD2-related condition.

Allele frequency attached by ClinVar (database versions not stated): TOPMed below 0.00001; gnomAD 0.00001.
gnomAD v4.1: 1 of 1,614,114 alleles (0.000062%); highest among the groups gnomAD compares: Non-Finnish European, 0.000085%; no homozygotes.

Submission:

PreventionGenetics, part of Exact Sciences
Classification: Likely benign for NCAPD2-related condition. Last evaluated: 2019-03-14. Review status: no assertion criteria provided. Collection method: clinical testing. Allele origin: germline.
Comment: This variant is classified as likely benign based on ACMG/AMP sequence variant interpretation guidelines (Richards et al. 2015 PMID: 25741868, with internal and published modifications).